The following is an entry in ClinVar:

ClinVar aggregate classification (germline): Uncertain significance (1 of 4 stars; one submission).

Submission:

Labcorp Genetics (formerly Invitae), Labcorp
Classification: Uncertain significance. Last evaluated: 2022-08-09. Review status: criteria provided, single submitter. Criteria: Invitae Variant Classification Sherloc (09022015). Collection method: clinical testing. Allele origin: germline.
Comment: This variant is not present in population databases (gnomAD no frequency). This variant has not been reported in the literature in individuals affected with DNAH9-related conditions. This sequence change replaces threonine, which is neutral and polar, with proline, which is neutral and non-polar, at codon 3166 of the DNAH9 protein (p.Thr3166Pro). In summary, the available evidence is currently insufficient to determine the role of this variant in disease. Therefore, it has been classified as a Variant of Uncertain Significance. Algorithms developed to predict the effect of missense changes on protein structure and function are either unavailable or do not agree on the potential impact of this missense change (SIFT: "Deleterious"; PolyPhen-2: "Probably Damaging"; Align-GVGD: "Class C0").

NM_001372.4(DNAH9):c.9496A>C (p.Thr3166Pro)

Gene: DNAH9 (dynein axonemal heavy chain 9; plus strand). Cytogenetic location: 17p12.
Variant type: single nucleotide variant.
Coding change: c.9496A>C on transcript NM_001372.4 (MANE Select); coding-DNA position 9496, A replaced by C.
Protein change: p.Thr3166Pro; replaces threonine 3166 with proline.
Molecular consequence: missense variant.
Genome position (GRCh38, 1-based): chr17:11,834,887, A>C. VCF-style: chr17-11834887-A-C. GRCh37 (hg19) VCF-style: chr17-11738204-A-C.
Other names: short protein forms T3166P.
Identifiers: ClinVar variation 2121204 (VCV002121204.4), dbSNP rs775117239, ClinGen allele CA398190245.